The following is an entry in ClinVar:

NM_001792.5(CDH2):c.2084T>C (p.Ile695Thr)

Gene: CDH2 (cadherin 2; minus strand). Cytogenetic location: 18q12.1.
Variant type: single nucleotide variant.
Coding change: c.2084T>C on transcript NM_001792.5 (MANE Select); coding-DNA position 2084, T replaced by C.
Protein change: p.Ile695Thr; replaces isoleucine 695 with threonine.
Molecular consequence: missense variant.
Genome position (GRCh38, 1-based): chr18:27,985,125, A>G on the plus strand (T>C on the coding strand, the complement: CDH2 is on the minus strand). VCF-style: chr18-27985125-A-G. GRCh37 (hg19) VCF-style: chr18-25565089-A-G.
Other names: c.1991T>C, p.Ile664Thr (NM_001308176.2); short protein forms I664T, I695T.
Identifiers: ClinVar variation 2622835 (VCV002622835.5), dbSNP rs1452947996, ClinGen allele CA402106904.

ClinVar aggregate classification (germline): Uncertain significance. Review status: criteria provided, multiple submitters, no conflicts (2 of 4 stars). 2 submissions from 2 submitters: Uncertain significance (2). Last evaluated 2024-10-23.

Conditions:
Inborn genetic diseases. Identifiers: MedGen C0950123, MeSH D030342.

Allele frequency attached by ClinVar (database versions not stated): gnomAD exomes below 0.00001; gnomAD 0.00001; TOPMed 0.00001.
gnomAD v4.1: 3 of 1,613,738 alleles (0.00019%); highest among the groups gnomAD compares: Non-Finnish European, 0.00017%; no homozygotes.

Submissions (2):

Labcorp Genetics (formerly Invitae), Labcorp
Classification: Uncertain significance. Last evaluated: 2024-10-23. Review status: criteria provided, single submitter. Criteria: Invitae Variant Classification Sherloc (09022015). Collection method: clinical testing. Allele origin: germline.
Comment: This sequence change replaces isoleucine, which is neutral and non-polar, with threonine, which is neutral and polar, at codon 695 of the CDH2 protein (p.Ile695Thr). This variant is present in population databases (no rsID available, gnomAD no frequency). This variant has not been reported in the literature in individuals affected with CDH2-related conditions. ClinVar contains an entry for this variant (Variation ID: 2622835). An algorithm developed to predict the effect of missense changes on protein structure and function (PolyPhen-2) suggests that this variant is likely to be tolerated. In summary, the available evidence is currently insufficient to determine the role of this variant in disease. Therefore, it has been classified as a Variant of Uncertain Significance.

Ambry Genetics
Classification: Uncertain significance for Inborn genetic diseases. Last evaluated: 2023-09-12. Review status: criteria provided, single submitter. Criteria: Ambry Variant Classification Scheme 2023. Collection method: clinical testing. Allele origin: germline.